The following is an entry in ClinVar:

ClinVar aggregate classification (germline): Uncertain significance (1 of 4 stars; one submission).

Submission:

Labcorp Genetics (formerly Invitae), Labcorp
Classification: Uncertain significance. Last evaluated: 2025-11-24. Review status: criteria provided, single submitter. Criteria: Invitae Variant Classification Sherloc (09022015). Collection method: clinical testing. Allele origin: germline.
Comment: This sequence change replaces glycine, which is neutral and non-polar, with arginine, which is basic and polar, at codon 143 of the KMT2A protein (p.Gly143Arg). This variant is not present in population databases (gnomAD no frequency). This variant has not been reported in the literature in individuals affected with KMT2A-related conditions. Invitae Evidence Modeling of protein sequence and biophysical properties (such as structural, functional, and spatial information, amino acid conservation, physicochemical variation, residue mobility, and thermodynamic stability) has been performed for this missense variant. However, the output from this modeling did not meet the statistical confidence thresholds required to predict the impact of this variant on KMT2A protein function. In summary, the available evidence is currently insufficient to determine the role of this variant in disease. Therefore, it has been classified as a Variant of Uncertain Significance.

NM_001197104.2(KMT2A):c.427G>C (p.Gly143Arg)

Gene: KMT2A (lysine methyltransferase 2A; plus strand). Cytogenetic location: 11q23.3.
Variant type: single nucleotide variant.
Coding change: c.427G>C on transcript NM_001197104.2 (MANE Select); coding-DNA position 427, G replaced by C.
Protein change: p.Gly143Arg; replaces glycine 143 with arginine.
Molecular consequence: missense variant.
Genome position (GRCh38, 1-based): chr11:118,436,939, G>C. VCF-style: chr11-118436939-G-C. GRCh37 (hg19) VCF-style: chr11-118307654-G-C.
Other names: c.427G>C, p.Gly143Arg (NM_001412597.1, NM_005933.4); short protein forms G143R.
Identifiers: ClinVar variation 4701001 (VCV004701001.1).